The following is an entry in ClinVar:

ClinVar aggregate classification (germline): Conflicting classifications of pathogenicity. Review status: criteria provided, conflicting classifications (1 of 4 stars). 2 submissions from 2 submitters: Uncertain significance (1); Likely benign (1). Last evaluated 2025-02-03.

Allele frequency attached by ClinVar (database versions not stated): gnomAD exomes below 0.00001; gnomAD 0.00001; TOPMed 0.00002.
gnomAD v4.1: 4 of 1,606,254 alleles (0.00025%); highest among the groups gnomAD compares: African/African-American, 0.0027%; no homozygotes.

Submissions (2):

Labcorp Genetics (formerly Invitae), Labcorp
Classification: Uncertain significance. Last evaluated: 2025-02-03. Review status: criteria provided, single submitter. Criteria: Invitae Variant Classification Sherloc (09022015). Collection method: clinical testing. Allele origin: germline.
Comment: This sequence change falls in intron 2 of the ELOVL4 gene. It does not directly change the encoded amino acid sequence of the ELOVL4 protein. It affects a nucleotide within the consensus splice site. This variant is not present in population databases (gnomAD no frequency). This variant has not been reported in the literature in individuals affected with ELOVL4-related conditions. ClinVar contains an entry for this variant (Variation ID: 1493758). Variants that disrupt the consensus splice site are a relatively common cause of aberrant splicing (PMID: 17576681, 9536098). Algorithms developed to predict the effect of sequence changes on RNA splicing suggest that this variant may disrupt the consensus splice site. In summary, the available evidence is currently insufficient to determine the role of this variant in disease. Therefore, it has been classified as a Variant of Uncertain Significance.

Blueprint Genetics
Classification: Likely benign. Last evaluated: 2022-07-01. Review status: criteria provided, single submitter. Criteria: ACMG Guidelines, 2015. Collection method: clinical testing. Allele origin: germline.

Literature cited by the submitters: PubMed 17576681 (cited by Labcorp Genetics (formerly Invitae), Labcorp); PubMed 9536098 (cited by Labcorp Genetics (formerly Invitae), Labcorp).

NM_022726.4(ELOVL4):c.288+3A>G

Gene: ELOVL4 (ELOVL fatty acid elongase 4; minus strand). Cytogenetic location: 6q14.1.
Variant type: single nucleotide variant.
Coding change: c.288+3A>G on transcript NM_022726.4 (MANE Select); 3 bases into the intron after coding-DNA position 288, A replaced by G.
Molecular consequence: intron variant.
Genome position (GRCh38, 1-based): chr6:79,926,191, T>C on the plus strand (A>G on the coding strand, the complement: ELOVL4 is on the minus strand). VCF-style: chr6-79926191-T-C. GRCh37 (hg19) VCF-style: chr6-80635908-T-C.
Identifiers: ClinVar variation 1493758 (VCV001493758.7), dbSNP rs1438052518, ClinGen allele CA828566746.
Genomic context (GRCh38, chr6:79,926,191, plus strand): 5'-ACATTCTCATTTTTAAATTTCCAATAACCTTGGAAAATTATTAAAGTGATCTTAAAAACA[T>C]ACCTCTCTGAAGATAAAGAGGTTAAGCAAAACCATCCCAAAATTATAGATAATGAGCACT-3'